The following is an entry in ClinVar:

NM_001379270.1(CNGA1):c.1321A>C (p.Lys441Gln)

Genes: CNGA1 (cyclic nucleotide gated channel subunit alpha 1; minus strand), LOC101927157 (uncharacterized LOC101927157; plus strand). Cytogenetic location: 4p12.
Variant type: single nucleotide variant.
Coding change: c.1321A>C on transcript NM_001379270.1 (MANE Select); coding-DNA position 1321, A replaced by C.
Protein change: p.Lys441Gln; replaces lysine 441 with glutamine.
Molecular consequence: missense variant.
Genome position (GRCh38, 1-based): chr4:47,937,161, T>G on the plus strand (A>C on the coding strand, the complement: CNGA1 is on the minus strand). VCF-style: chr4-47937161-T-G. GRCh37 (hg19) VCF-style: chr4-47939178-T-G.
Other names: c.1321A>C, p.Lys441Gln (NM_000087.5, NM_001142564.2); short protein forms K441Q.
Identifiers: ClinVar variation 4745873 (VCV004745873.1).
Genomic context (GRCh38, chr4:47,937,161, plus strand): 5'-TTTCTGCTCTTAGTTTATCAGGTAGATACTTTAAGACTTCTTTCTCATCAACTGTTTTTT[T>G]GTTGGTCCACAGGTAGTCAAACCATTTAATAACCCTCTTTTCCATATCTTTGCTTACATT-3'
Protein context (NP_001366199.1, residues 431-451): IKWFDYLWTN[Lys441Gln]KTVDEKEVLK

ClinVar aggregate classification (germline): Uncertain significance (1 of 4 stars; one submission).

Submission:

Labcorp Genetics (formerly Invitae), Labcorp
Classification: Uncertain significance. Last evaluated: 2025-04-01. Review status: criteria provided, single submitter. Criteria: Invitae Variant Classification Sherloc (09022015). Collection method: clinical testing. Allele origin: germline.
Comment: This sequence change replaces lysine, which is basic and polar, with glutamine, which is neutral and polar, at codon 445 of the CNGA1 protein (p.Lys445Gln). This variant is not present in population databases (gnomAD no frequency). This variant has not been reported in the literature in individuals affected with CNGA1-related conditions. Invitae Evidence Modeling of protein sequence and biophysical properties (such as structural, functional, and spatial information, amino acid conservation, physicochemical variation, residue mobility, and thermodynamic stability) indicates that this missense variant is not expected to disrupt CNGA1 protein function with a negative predictive value of 80%. In summary, the available evidence is currently insufficient to determine the role of this variant in disease. Therefore, it has been classified as a Variant of Uncertain Significance.